The following is an entry in ClinVar:

ClinVar aggregate classification (germline): Uncertain significance (1 of 4 stars; one submission).

Submission:

Ambry Genetics
Classification: Uncertain significance. Last evaluated: 2023-12-10. Review status: criteria provided, single submitter. Criteria: Ambry Variant Classification Scheme 2023. Collection method: clinical testing. Allele origin: germline.
Comment: The p.G44R variant (also known as c.130G>A), located in coding exon 1 of the GALNT12 gene, results from a G to A substitution at nucleotide position 130. The glycine at codon 44 is replaced by arginine, an amino acid with dissimilar properties. This amino acid position is conserved. In addition, this alteration is predicted to be tolerated by in silico analysis. Since supporting evidence is limited at this time, the clinical significance of this alteration remains unclear.

NM_024642.5(GALNT12):c.130G>A (p.Gly44Arg)

Gene: GALNT12 (polypeptide N-acetylgalactosaminyltransferase 12; plus strand). Cytogenetic location: 9q22.33.
Variant type: single nucleotide variant.
Coding change: c.130G>A on transcript NM_024642.5 (MANE Select); coding-DNA position 130, G replaced by A.
Protein change: p.Gly44Arg; replaces glycine 44 with arginine.
Molecular consequence: missense variant.
Genome position (GRCh38, 1-based): chr9:98,807,828, G>A. VCF-style: chr9-98807828-G-A. GRCh37 (hg19) VCF-style: chr9-101570110-G-A.
Other names: short protein forms G44R.
Identifiers: ClinVar variation 3227912 (VCV003227912.1), dbSNP rs2118256103, ClinGen allele CA374222351.